The following is an entry in ClinVar:

NM_003660.4(PPFIA3):c.527T>C (p.Met176Thr)

Gene: PPFIA3 (PTPRF interacting protein alpha 3; plus strand). Cytogenetic location: 19q13.33.
Variant type: single nucleotide variant.
Coding change: c.527T>C on transcript NM_003660.4 (MANE Select); coding-DNA position 527, T replaced by C.
Protein change: p.Met176Thr; replaces methionine 176 with threonine.
Molecular consequence: missense variant. On other transcripts: non-coding transcript variant (1).
Genome position (GRCh38, 1-based): chr19:49,129,399, T>C. VCF-style: chr19-49129399-T-C. GRCh37 (hg19) VCF-style: chr19-49632656-T-C.
Other names: short protein forms M176T.
Identifiers: ClinVar variation 3764477 (VCV003764477.1).

ClinVar aggregate classification (germline): Uncertain significance (1 of 4 stars; one submission).

Submission:

GeneDx
Classification: Uncertain significance. Last evaluated: 2024-08-21. Review status: criteria provided, single submitter. Criteria: GeneDx Variant Classification Process June 2021. Collection method: clinical testing. Allele origin: germline. Affected: yes.
Comment: Not observed at significant frequency in large population cohorts (gnomAD); In silico analysis indicates that this missense variant does not alter protein structure/function; Has not been previously published as pathogenic or benign to our knowledge